The following is an entry in ClinVar:

ClinVar aggregate classification (germline): Uncertain significance (1 of 4 stars; one submission).

Conditions:
Developmental and epileptic encephalopathy, 36 (DEE36). Also called: Epileptic encephalopathy, early infantile, 36; ALG13-CDG; Congenital disorder of glycosylation, type Is. Identifiers: Orphanet 324422, MedGen C4317295, MONDO:0010472, OMIM 300884.

Submission:

Labcorp Genetics (formerly Invitae), Labcorp
Classification: Uncertain significance for Developmental and epileptic encephalopathy, 36. Last evaluated: 2024-02-19. Review status: criteria provided, single submitter. Criteria: Invitae Variant Classification Sherloc (09022015). Collection method: clinical testing. Allele origin: germline.
Comment: This sequence change replaces serine, which is neutral and polar, with isoleucine, which is neutral and non-polar, at codon 228 of the ALG13 protein (p.Ser228Ile). This variant is not present in population databases (gnomAD no frequency). This variant has not been reported in the literature in individuals affected with ALG13-related conditions. ClinVar contains an entry for this variant (Variation ID: 1427154). Advanced modeling of protein sequence and biophysical properties (such as structural, functional, and spatial information, amino acid conservation, physicochemical variation, residue mobility, and thermodynamic stability) performed at Invitae indicates that this missense variant is not expected to disrupt ALG13 protein function with a negative predictive value of 80%. In summary, the available evidence is currently insufficient to determine the role of this variant in disease. Therefore, it has been classified as a Variant of Uncertain Significance.

NM_001099922.3(ALG13):c.683G>T (p.Ser228Ile)

Gene: ALG13 (ALG13 UDP-N-acetylglucosaminyltransferase subunit; plus strand). Cytogenetic location: Xq23.
Variant type: single nucleotide variant.
Coding change: c.683G>T on transcript NM_001099922.3 (MANE Select); coding-DNA position 683, G replaced by T.
Protein change: p.Ser228Ile; replaces serine 228 with isoleucine.
Molecular consequence: missense variant. On other transcripts: non-coding transcript variant (1).
Genome position (GRCh38, 1-based): chrX:111,708,326, G>T. VCF-style: chrX-111708326-G-T. GRCh37 (hg19) VCF-style: chrX-110951554-G-T.
Other names: c.371G>T, p.Ser124Ile (NM_001257230.2, NM_001257234.2, NM_001257237.2 and 1 more transcripts); c.449G>T, p.Ser150Ile (NM_001257231.2); c.683G>T, p.Ser228Ile (NM_001324292.2); short protein forms S124I, S150I, S228I.
Identifiers: ClinVar variation 1427154 (VCV001427154.6), dbSNP rs1186351490, ClinGen allele CA414249844.